The following is an entry in ClinVar:

ClinVar aggregate classification (germline): Conflicting classifications of pathogenicity. Review status: criteria provided, conflicting classifications (1 of 4 stars). 7 submissions from 7 submitters: Uncertain significance (1); Benign (3); Likely benign (3). Last evaluated 2026-02-03.

Conditions:
Autosomal recessive nonsyndromic hearing loss 3. Also called: NEUROSENSORY NONSYNDROMIC RECESSIVE DEAFNESS 3. Identifiers: Orphanet 90636, MedGen C1838263, MONDO:0010860, OMIM 600316.

Allele frequency attached by ClinVar (database versions not stated): gnomAD exomes 0.00055 and 0.00141; ExAC 0.00169; ESP Exome Variant Server 0.00388; gnomAD 0.00449 and 0.00463; TOPMed 0.00509; 1000 Genomes Project 0.00539; 1000 Genomes Project 30x 0.00640.
gnomAD v4.1: 1,532 of 1,614,070 alleles (0.095%); highest among the groups gnomAD compares: African/African-American, 1.5%; 9 homozygotes.

Submissions (7):

Labcorp Genetics (formerly Invitae), Labcorp
Classification: Benign. Last evaluated: 2026-02-03. Review status: criteria provided, single submitter. Criteria: Invitae Variant Classification Sherloc (09022015). Collection method: clinical testing. Allele origin: germline.

Blueprint Genetics
Classification: Likely benign. Last evaluated: 2024-10-22. Review status: criteria provided, single submitter. Criteria: ACMG Guidelines, 2015. Collection method: clinical testing. Allele origin: germline.

CeGaT Center for Human Genetics Tuebingen
Classification: Likely benign. Last evaluated: 2024-08-01. Review status: criteria provided, single submitter. Criteria: CeGaT Center For Human Genetics Tuebingen Variant Classification Criteria Version 2. Collection method: clinical testing. Allele origin: germline. Affected: yes. Observed: 1 variant allele.
Comment: MYO15A: BP4, BP7, BS1

GeneDx
Classification: Likely benign. Last evaluated: 2022-06-20. Review status: criteria provided, single submitter. Criteria: GeneDx Variant Classification Process June 2021. Collection method: clinical testing. Allele origin: germline. Affected: yes.
Comment: See Variant Classification Assertion Criteria.

ARUP Laboratories, Molecular Genetics and Genomics, ARUP Laboratories
Classification: Benign for Autosomal recessive nonsyndromic hearing loss 3. Last evaluated: 2018-09-14. Review status: criteria provided, single submitter. Criteria: ARUP Molecular Germline Variant Investigation Process. Collection method: clinical testing. Allele origin: germline.

Illumina Laboratory Services, Illumina
Classification: Uncertain significance for Autosomal recessive nonsyndromic hearing loss 3. Last evaluated: 2018-01-13. Review status: criteria provided, single submitter. Criteria: ICSL Variant Classification Criteria 13 December 2019. Collection method: clinical testing. Allele origin: germline.

Laboratory for Molecular Medicine, Mass General Brigham Personalized Medicine
Classification: Benign. Last evaluated: 2012-04-30. Review status: criteria provided, single submitter. Criteria: LMM Criteria. Collection method: clinical testing. Allele origin: germline. Observed: 4 variant alleles.
Comment: Tyr1252Tyr in Exon 04 of MYO15A: This variant is not expected to have clinical s ignificance because it does not alter an amino acid residue ,and has been identi fied in 0.9% (27/3168) of African American chromosomes from a broad population b y the NHLBI Exome Sequencing Project (dbSNP rs 59933498).

NM_016239.4(MYO15A):c.3756C>T (p.Tyr1252=)

Gene: MYO15A (myosin XVA; plus strand). Cytogenetic location: 17p11.2.
Variant type: single nucleotide variant.
Coding change: c.3756C>T on transcript NM_016239.4 (MANE Select); coding-DNA position 3756, C replaced by T.
Protein change: p.Tyr1252=; no amino-acid change (tyrosine 1252 retained).
Molecular consequence: synonymous variant.
Genome position (GRCh38, 1-based): chr17:18,125,231, C>T. VCF-style: chr17-18125231-C-T. GRCh37 (hg19) VCF-style: chr17-18028545-C-T.
Identifiers: ClinVar variation 164514 (VCV000164514.44), dbSNP rs59933498, ClinGen allele CA177217.